The following is an entry in ClinVar:

ClinVar aggregate classification (germline): Uncertain significance (1 of 4 stars; one submission).

Conditions:
Acrocallosal syndrome (ACLS). Also called: HALLUX DUPLICATION, POSTAXIAL POLYDACTYLY, AND ABSENCE OF CORPUS CALLOSUM; Schinzel syndrome 1; Absence of corpus callosum with unusual facial appearance, mental deficiency, duplication of the halluces and polydactyly. Identifiers: Orphanet 36, MedGen C0796147, MONDO:0008708, OMIM 200990.

Allele frequency attached by ClinVar (database versions not stated): TOPMed 0.00001; gnomAD exomes 0.00002 and 0.00006; ExAC 0.00008.
gnomAD v4.1: 14 of 1,613,524 alleles (0.00087%); highest among the groups gnomAD compares: Admixed American, 0.023%; no homozygotes.

Submission:

Labcorp Genetics (formerly Invitae), Labcorp
Classification: Uncertain significance for Acrocallosal syndrome. Last evaluated: 2022-03-19. Review status: criteria provided, single submitter. Criteria: Invitae Variant Classification Sherloc (09022015). Collection method: clinical testing. Allele origin: germline.
Comment: This sequence change replaces serine, which is neutral and polar, with cysteine, which is neutral and slightly polar, at codon 648 of the KIF7 protein (p.Ser648Cys). This variant is present in population databases (rs757997374, gnomAD 0.04%). This variant has not been reported in the literature in individuals affected with KIF7-related conditions. Algorithms developed to predict the effect of missense changes on protein structure and function are either unavailable or do not agree on the potential impact of this missense change (SIFT: "Deleterious"; PolyPhen-2: "Benign"; Align-GVGD: "Class C0"). In summary, the available evidence is currently insufficient to determine the role of this variant in disease. Therefore, it has been classified as a Variant of Uncertain Significance.

NM_198525.3(KIF7):c.1942A>T (p.Ser648Cys)

Gene: KIF7 (kinesin family member 7; minus strand). Cytogenetic location: 15q26.1.
Variant type: single nucleotide variant.
Coding change: c.1942A>T on transcript NM_198525.3 (MANE Select); coding-DNA position 1942, A replaced by T.
Protein change: p.Ser648Cys; replaces serine 648 with cysteine.
Molecular consequence: missense variant.
Genome position (GRCh38, 1-based): chr15:89,645,432, T>A on the plus strand (A>T on the coding strand, the complement: KIF7 is on the minus strand). VCF-style: chr15-89645432-T-A. GRCh37 (hg19) VCF-style: chr15-90188663-T-A.
Other names: short protein forms S648C.
Identifiers: ClinVar variation 1518310 (VCV001518310.5), dbSNP rs757997374, ClinGen allele CA7728389.